The following is an entry in ClinVar:

NM_004370.6(COL12A1):c.9142C>T (p.Gln3048Ter)

Gene: COL12A1 (collagen type XII alpha 1 chain; minus strand). Cytogenetic location: 6q13.
Variant type: single nucleotide variant.
Coding change: c.9142C>T on transcript NM_004370.6 (MANE Select); coding-DNA position 9142, C replaced by T.
Protein change: p.Gln3048Ter; replaces glutamine 3048 with a stop codon.
Molecular consequence: nonsense.
Genome position (GRCh38, 1-based): chr6:75,087,616, G>A on the plus strand (C>T on the coding strand, the complement: COL12A1 is on the minus strand). VCF-style: chr6-75087616-G-A. GRCh37 (hg19) VCF-style: chr6-75797332-G-A.
Other names: c.5650C>T, p.Gln1884Ter (NM_080645.3); short protein forms Q3048*, Q1884*.
Identifiers: ClinVar variation 430380 (VCV000430380.4), dbSNP rs1131691933, ClinGen allele CA364732721.

ClinVar aggregate classification (germline): Conflicting classifications of pathogenicity. Review status: criteria provided, conflicting classifications (1 of 4 stars). 2 submissions from 2 submitters: Likely pathogenic (1); Uncertain significance (1). Last evaluated 2020-09-16.

Conditions:
Inborn genetic diseases. Identifiers: MedGen C0950123, MeSH D030342.

Submissions (2):

Ambry Genetics
Classification: Uncertain significance for Inborn genetic diseases. Last evaluated: 2020-09-16. Review status: criteria provided, single submitter. Criteria: Ambry Variant Classification Scheme 2023. Collection method: clinical testing. Allele origin: germline.
Comment: The c.9142C>T (p.Q3048*) alteration, located in exon 65 (coding exon 64) of the COL12A1 gene, consists of a C to T substitution at nucleotide position 9142. This changes the amino acid from a glutamine (Q) to a stop codon at amino acid position 3048. This alteration occurs at the 3' terminus of the COL12A1 gene, is not expected to trigger nonsense-mediated mRNA decay, and only impacts the last 16 of the protein. The exact functional effect of this alteration is unknown. Based on data from the Genome Aggregation Database (gnomAD), the COL12A1 c.9142C>T alteration was not observed, with coverage at this position. Based on insufficient or conflicting evidence, the clinical significance of this alteration remains unclear.

GeneDx
Classification: Likely pathogenic. Last evaluated: 2015-09-10. Review status: criteria provided, single submitter. Criteria: GeneDx Variant Classification (06012015). Collection method: clinical testing. Allele origin: germline. Affected: yes.
Comment: The Q3048X likely pathogenic variant in the COL12A1 gene has not been reported previously as a pathogenic variant nor as a benign variant, to our knowledge. This variant is predicted to cause loss of normal protein function through protein truncation. The Q3048X variant was not observed in approximately 6000 individuals of European and African American ancestry in the NHLBI Exome Sequencing Project, indicating it is not a common benign variant in these populations. Therefore, we interpret Q3048X as strong candidate for a pathogenic variant, however the possibility it may be a rare benign variant cannot be excluded.